The following is an entry in ClinVar:

NM_004370.6(COL12A1):c.2501G>T (p.Trp834Leu)

Gene: COL12A1 (collagen type XII alpha 1 chain; minus strand). Cytogenetic location: 6q13.
Variant type: single nucleotide variant.
Coding change: c.2501G>T on transcript NM_004370.6 (MANE Select); coding-DNA position 2501, G replaced by T.
Protein change: p.Trp834Leu; replaces tryptophan 834 with leucine.
Molecular consequence: missense variant. On other transcripts: intron variant (3).
Genome position (GRCh38, 1-based): chr6:75,175,247, C>A on the plus strand (G>T on the coding strand, the complement: COL12A1 is on the minus strand). VCF-style: chr6-75175247-C-A. GRCh37 (hg19) VCF-style: chr6-75884963-C-A.
Other names: c.2501G>T, p.Trp834Leu (NM_001424113.1, NM_001424114.1); c.74-22765G>T (NM_001424116.1, NM_080645.3); c.2437+2416G>T (NM_001424115.1); short protein forms W834L.
Identifiers: ClinVar variation 2947070 (VCV002947070.3), dbSNP rs758060047, ClinGen allele CA364762465.
Genomic context (GRCh38, chr6:75,175,247, plus strand): 5'-CCCCCTGCCACTGGGGTATATGTGACGAGATACTGTTTCACTTTTCCTGGTGCCCCACTC[C>A]AAGATAATTTCATAGTAGACGTCGTAGGGTCAGAAACTCTTAAGTCTCTTGGATTCCCTC-3'
Protein context (NP_004361.3, residues 824-844): DPTTSTMKLS[Trp834Leu]SGAPGKVKQY

ClinVar aggregate classification (germline): Uncertain significance (1 of 4 stars; one submission).

Conditions:
Ullrich congenital muscular dystrophy 2 (UCMD2). Identifiers: Orphanet 75840, MedGen C4225314, MONDO:0014654, OMIM 616470.
Bethlem myopathy 2 (BTHLM2). Identifiers: Orphanet 536516, Orphanet 610, MedGen C4225313, MONDO:0034022, OMIM 616471.

gnomAD v4.1: 2 of 1,614,196 alleles (0.00012%); highest among the groups gnomAD compares: Non-Finnish European, 0.00017%; no homozygotes.

Submission:

Labcorp Genetics (formerly Invitae), Labcorp
Classification: Uncertain significance for Bethlem myopathy 2; Ullrich congenital muscular dystrophy 2. Last evaluated: 2023-04-24. Review status: criteria provided, single submitter. Criteria: Invitae Variant Classification Sherloc (09022015). Collection method: clinical testing. Allele origin: germline.
Comment: In summary, the available evidence is currently insufficient to determine the role of this variant in disease. Therefore, it has been classified as a Variant of Uncertain Significance. Advanced modeling of protein sequence and biophysical properties (such as structural, functional, and spatial information, amino acid conservation, physicochemical variation, residue mobility, and thermodynamic stability) performed at Invitae indicates that this missense variant is not expected to disrupt COL12A1 protein function. This variant has not been reported in the literature in individuals affected with COL12A1-related conditions. This variant is not present in population databases (gnomAD no frequency). This sequence change replaces tryptophan, which is neutral and slightly polar, with leucine, which is neutral and non-polar, at codon 834 of the COL12A1 protein (p.Trp834Leu).